The following is an entry in ClinVar:

NM_000275.3(OCA2):c.1427A>G (p.Asn476Ser)

Gene: OCA2 (OCA2 melanosomal transmembrane protein; minus strand). Cytogenetic location: 15q13.1.
Variant type: single nucleotide variant.
Coding change: c.1427A>G on transcript NM_000275.3 (MANE Select); coding-DNA position 1427, A replaced by G.
Protein change: p.Asn476Ser; replaces asparagine 476 with serine.
Molecular consequence: missense variant.
Genome position (GRCh38, 1-based): chr15:27,983,421, T>C on the plus strand (A>G on the coding strand, the complement: OCA2 is on the minus strand). VCF-style: chr15-27983421-T-C. GRCh37 (hg19) VCF-style: chr15-28228567-T-C.
Other names: c.1355A>G, p.Asn452Ser (NM_001300984.2); short protein forms N476S, N452S.
Identifiers: ClinVar variation 211767 (VCV000211767.11), dbSNP rs763819379, ClinGen allele CA276958.
Genomic context (GRCh38, chr15:27,983,421, plus strand): 5'-TGGTTGGAAACAATAATGACATTTGGAGGGTCCCCGATGGCAGTGGCAGCTCCTCCAATG[T>C]TTGTGAAGATCACTTCTGCAATCAGGACTTGTCTTGGATCAAGGTTGAGCACCTCACACA-3'
Protein context (NP_000266.2, residues 466-486): QVLIAEVIFT[Asn476Ser]IGGAATAIGD

ClinVar aggregate classification (germline): Pathogenic/Likely pathogenic. Review status: criteria provided, multiple submitters, no conflicts (2 of 4 stars). 5 submissions from 5 submitters: Pathogenic (3); Likely pathogenic (2). Last evaluated 2025-12-11.

Conditions:
Oculocutaneous albinism. Identifiers: Orphanet 55, MedGen C0078918, MONDO:0018910.
Tyrosinase-positive oculocutaneous albinism (OCA2). Also called: ALBINISM II; Oculocutaneous albinism type 2; Albinism, oculocutaneous, type II. Identifiers: Orphanet 79432, MedGen C0268495, MONDO:0008746, OMIM 203200.
SKIN/HAIR/EYE PIGMENTATION 1, BLUE/NONBLUE EYES (SHEP1). Also called: BROWN EYE COLOR 2; EYE COLOR 3; EYE COLOR, BLUE/NONBLUE; EYE COLOR, BROWN/BLUE; SKIN/HAIR/EYE PIGMENTATION 1, BLOND/BROWN HAIR; SKIN/HAIR/EYE PIGMENTATION 1, BLUE/BROWN EYES. Identifiers: MedGen C1856895, OMIM 227220.

Allele frequency attached by ClinVar (database versions not stated): ExAC 0.00001; gnomAD 0.00001; gnomAD exomes 0.00001.
gnomAD v4.1: 4 of 1,614,044 alleles (0.00025%); highest among the groups gnomAD compares: Non-Finnish European, 0.00034%; no homozygotes.

Submissions (5):

3billion
Classification: Pathogenic for Tyrosinase-positive oculocutaneous albinism. Last evaluated: 2025-12-11. Review status: criteria provided, single submitter. Criteria: ACMG Guidelines, 2015. Collection method: clinical testing. Allele origin: germline. Affected: yes.
Comment: The variant is observed at an extremely low frequency in the gnomAD v4.1.0 dataset (total allele frequency: <0.001%). Predicted Consequence/Location: Missense variant In silico tool predictions suggest damaging effect of the variant on gene or gene product [REVEL: 0.88 (>=0.6, sensitivity 0.68 and specificity 0.92); 3Cnet: 0.96 (> 0.75, sensitivity 0.96 and precision 0.92)]. The same nucleotide change resulting in the same amino acid change has been previously reported as pathogenic/likely pathogenic with strong evidence (ClinVar ID: VCV000211767 /PMID: 17960121). The variant has been reported to be in trans with a pathogenic variant as either compound heterozygous or homozygous in at least one similarly affected unrelated individual (PMID: 27734839). A different missense change at the same codon (p.Asn476Asp) has been reported as pathogenic/likely pathogenic with strong evidence (ClinVar ID: VCV002677403 /PMID: 17385796). Therefore, this variant is classified as Pathogenic according to the recommendation of ACMG/AMP guideline.

Fulgent Genetics
Classification: Likely pathogenic for Tyrosinase-positive oculocutaneous albinism; SKIN/HAIR/EYE PIGMENTATION 1, BLUE/NONBLUE EYES. Last evaluated: 2024-05-31. Review status: criteria provided, single submitter. Criteria: ACMG Guidelines, 2015. Collection method: clinical testing. Allele origin: germline.

Women's Health and Genetics/Laboratory Corporation of America, LabCorp
Classification: Likely pathogenic for Oculocutaneous albinism. Last evaluated: 2024-05-29. Review status: criteria provided, single submitter. Criteria: LabCorp Variant Classification Summary - May 2015. Collection method: clinical testing. Allele origin: germline.
Comment: Variant summary: OCA2 c.1427A>G (p.Asn476Ser) results in a conservative amino acid change located in the Citrate transporter-like domain (IPR004680) of the encoded protein sequence. Four of five in-silico tools predict a damaging effect of the variant on protein function. The variant was absent in 251488 control chromosomes (gnomAD). c.1427A>G has been reported in the literature in individuals affected with Oculocutaneous Albinism (Preising_2007, Mauri_2016, Lasseaux_2018). These data indicate that the variant is likely to be associated with disease. To our knowledge, no experimental evidence demonstrating an impact on protein function has been reported. The following publications have been ascertained in the context of this evaluation (PMID: 29345414, 27734839, 17960121). ClinVar contains an entry for this variant (Variation ID: 211767). Based on the evidence outlined above, the variant was classified as likely pathogenic.

Labcorp Genetics (formerly Invitae), Labcorp
Classification: Pathogenic. Last evaluated: 2024-05-24. Review status: criteria provided, single submitter. Criteria: Invitae Variant Classification Sherloc (09022015). Collection method: clinical testing. Allele origin: germline.
Comment: This sequence change replaces asparagine, which is neutral and polar, with serine, which is neutral and polar, at codon 476 of the OCA2 protein (p.Asn476Ser). This variant is not present in population databases (gnomAD no frequency). This missense change has been observed in individuals with clinical features of oculocutaneous albinism (PMID: 17960121, 27734839, 29345414). It has also been observed to segregate with disease in related individuals. ClinVar contains an entry for this variant (Variation ID: 211767). Advanced modeling of protein sequence and biophysical properties (such as structural, functional, and spatial information, amino acid conservation, physicochemical variation, residue mobility, and thermodynamic stability) performed at Invitae indicates that this missense variant is expected to disrupt OCA2 protein function with a positive predictive value of 80%. This variant disrupts the p.Asn476 amino acid residue in OCA2. Other variant(s) that disrupt this residue have been determined to be pathogenic (PMID: 17385796, 31077556, 32552135). This suggests that this residue is clinically significant, and that variants that disrupt this residue are likely to be disease-causing. For these reasons, this variant has been classified as Pathogenic.

Genetic Services Laboratory, University of Chicago
Classification: Pathogenic for Albinism, oculocutaneous, type II. Last evaluated: 2015-02-16. Review status: criteria provided, single submitter. Criteria: ACMG Guidelines, 2015. Collection method: clinical testing. Allele origin: germline. Affected: yes.

Literature cited by the submitters: PubMed 27734839 (cited by 3 submitters); PubMed 17960121 (cited by 3 submitters); PubMed 17385796 (cited by 3billion and Labcorp Genetics (formerly Invitae), Labcorp); PubMed 29345414 (cited by Women's Health and Genetics/Laboratory Corporation of America, LabCorp and Labcorp Genetics (formerly Invitae), Labcorp); PubMed 31077556 (cited by Labcorp Genetics (formerly Invitae), Labcorp); PubMed 32552135 (cited by Labcorp Genetics (formerly Invitae), Labcorp).